The following is an entry in ClinVar:

ClinVar aggregate classification (germline): Benign/Likely benign. Review status: criteria provided, multiple submitters, no conflicts (2 of 4 stars). 3 submissions from 3 submitters: Benign (1); Likely benign (2). Last evaluated 2024-06-10.

Conditions:
Familial cancer of breast. Also called: BREAST CANCER, FAMILIAL; Hereditary breast cancer; hereditary breast carcinoma. Identifiers: Orphanet 227535, MedGen C0346153, MONDO:0016419, OMIM 114480. Disease mechanism: loss of function.
Ataxia-telangiectasia syndrome (AT). Also called: LOUIS-BAR SYNDROME; Cerebello-oculocutaneous telangiectasia; Immunodeficiency with ataxia telangiectasia; Ataxia telangiectasia (A-T); Ataxia-telangiectasia, complementation group D; AT, COMPLEMENTATION GROUP C. Identifiers: Orphanet 100, MedGen C0004135, MONDO:0008840, OMIM 208900.
Hereditary cancer-predisposing syndrome. Also called: Neoplastic Syndromes, Hereditary; Tumor predisposition; Hereditary Cancer Syndrome; Hereditary neoplastic syndrome. Identifiers: Orphanet 140162, MedGen C0027672, MeSH D009386, MONDO:0015356.

Allele frequency attached by ClinVar (database versions not stated): gnomAD 0.00001.
gnomAD v4.1: 1 of 1,613,144 alleles (0.000062%); highest among the groups gnomAD compares: Non-Finnish European, 0.000085%; no homozygotes.

Submissions (3):

Myriad Genetics, Inc.
Classification: Benign for Familial cancer of breast. Last evaluated: 2024-06-10. Review status: criteria provided, single submitter. Criteria: Myriad Autosomal Dominant, Autosomal Recessive and X-Linked Classification Criteria (2023). Collection method: clinical testing. Allele origin: unknown.
Comment: This variant is considered benign. This variant is a silent/synonymous amino acid change and it is not expected to impact splicing.

Labcorp Genetics (formerly Invitae), Labcorp
Classification: Likely benign for Ataxia-telangiectasia syndrome. Last evaluated: 2022-04-29. Review status: criteria provided, single submitter. Criteria: Invitae Variant Classification Sherloc (09022015). Collection method: clinical testing. Allele origin: germline.

Ambry Genetics
Classification: Likely benign for Hereditary cancer-predisposing syndrome. Last evaluated: 2019-08-03. Review status: criteria provided, single submitter. Criteria: Ambry Variant Classification Scheme 2023. Collection method: clinical testing. Allele origin: germline.

NM_000051.4(ATM):c.6756C>T (p.Thr2252=)

Genes: ATM (ATM serine/threonine kinase; plus strand), C11orf65 (chromosome 11 open reading frame 65; minus strand). Cytogenetic location: 11q22.3.
Variant type: single nucleotide variant.
Coding change: c.6756C>T on transcript NM_000051.4 (MANE Select); coding-DNA position 6756, C replaced by T.
Protein change: p.Thr2252=; no amino-acid change (threonine 2252 retained).
Molecular consequence: synonymous variant. On other transcripts: intron variant (2).
Genome position (GRCh38, 1-based): chr11:108,325,493, C>T. VCF-style: chr11-108325493-C-T. GRCh37 (hg19) VCF-style: chr11-108196220-C-T.
Other names: c.*38+9727G>A (NM_001351110.2); c.6756C>T, p.Thr2252= (NM_001351834.2); c.641-16422G>A (NM_001330368.2).
Identifiers: ClinVar variation 1571477 (VCV001571477.12), dbSNP rs1008212556, ClinGen allele CA228412108.